The following is an entry in ClinVar:

ClinVar aggregate classification (germline): Uncertain significance. Review status: criteria provided, multiple submitters, no conflicts (2 of 4 stars). 2 submissions from 2 submitters: Uncertain significance (2). Last evaluated 2026-02-03.

Conditions:
Cardiovascular phenotype. Identifiers: MedGen CN230736.
Capillary malformation-arteriovenous malformation syndrome. Also called: Capillary malformation-arteriovenous malformation. Identifiers: Orphanet 137667, MedGen C1842180, MONDO:0012016.

Allele frequency attached by ClinVar (database versions not stated): gnomAD exomes 0.00002 and 0.00003; ExAC 0.00003; TOPMed 0.00009; gnomAD 0.00011 and 0.00012.
gnomAD v4.1: 56 of 1,613,978 alleles (0.0035%); highest among the groups gnomAD compares: African/African-American, 0.028%; no homozygotes.

Submissions (2):

Labcorp Genetics (formerly Invitae), Labcorp
Classification: Uncertain significance for Capillary malformation-arteriovenous malformation syndrome. Last evaluated: 2026-02-03. Review status: criteria provided, single submitter. Criteria: Invitae Variant Classification Sherloc (09022015). Collection method: clinical testing. Allele origin: germline.
Comment: This sequence change replaces proline, which is neutral and non-polar, with serine, which is neutral and polar, at codon 138 of the RASA1 protein (p.Pro138Ser). This variant is present in population databases (rs775315018, gnomAD 0.03%). This variant has not been reported in the literature in individuals affected with RASA1-related conditions. ClinVar contains an entry for this variant (Variation ID: 644113). An algorithm developed to predict the effect of missense changes on protein structure and function (PolyPhen-2) suggests that this variant is likely to be disruptive. In summary, the available evidence is currently insufficient to determine the role of this variant in disease. Therefore, it has been classified as a Variant of Uncertain Significance.

Ambry Genetics
Classification: Uncertain significance for Cardiovascular phenotype. Last evaluated: 2015-09-23. Review status: criteria provided, single submitter. Criteria: Ambry Variant Classification Scheme 2023. Collection method: clinical testing. Allele origin: germline.
Comment: The p.P138S variant (also known as c.412C>T), located in coding exon 1 of the RASA1 gene, results from a C to T substitution at nucleotide position 412. The proline at codon 138 is replaced by serine, an amino acid with some similar properties. This variant was not reported in population based cohorts in the following databases: Database of Single Nucleotide Polymorphisms (dbSNP), NHLBI Exome Sequencing Project (ESP), and 1000 Genomes Project. In the ESP, this variant was not observed in 6502 samples (13004 alleles) with coverage at this position. This amino acid position is highly conserved in available vertebrate species. In addition, this alteration is predicted to be tolerated by in silico analysis. Since supporting evidence is limited at this time, the clinical significance of this variant remains unclear.

NM_002890.3(RASA1):c.412C>T (p.Pro138Ser)

Gene: RASA1 (RAS p21 protein activator 1; plus strand). Cytogenetic location: 5q14.3.
Variant type: single nucleotide variant.
Coding change: c.412C>T on transcript NM_002890.3 (MANE Select); coding-DNA position 412, C replaced by T.
Protein change: p.Pro138Ser; replaces proline 138 with serine.
Molecular consequence: missense variant.
Genome position (GRCh38, 1-based): chr5:87,268,863, C>T. VCF-style: chr5-87268863-C-T. GRCh37 (hg19) VCF-style: chr5-86564680-C-T.
Other names: short protein forms P138S.
Identifiers: ClinVar variation 644113 (VCV000644113.12), dbSNP rs775315018, ClinGen allele CA3335425.